The following is an entry in ClinVar:

NM_001384732.1(CPLANE1):c.93C>T (p.Ala31=)

Gene: CPLANE1 (ciliogenesis and planar polarity effector complex subunit 1; minus strand). Cytogenetic location: 5p13.2.
Variant type: single nucleotide variant.
Coding change: c.93C>T on transcript NM_001384732.1 (MANE Select); coding-DNA position 93, C replaced by T.
Protein change: p.Ala31=; no amino-acid change (alanine 31 retained).
Molecular consequence: synonymous variant.
Genome position (GRCh38, 1-based): chr5:37,245,834, G>A on the plus strand (C>T on the coding strand, the complement: CPLANE1 is on the minus strand). VCF-style: chr5-37245834-G-A. GRCh37 (hg19) VCF-style: chr5-37245936-G-A.
Other names: c.93C>T, p.Ala31= (NM_023073.4).
Identifiers: ClinVar variation 1628385 (VCV001628385.11), dbSNP rs200942752, ClinGen allele CA117069446.

ClinVar aggregate classification (germline): Likely benign. Review status: criteria provided, multiple submitters, no conflicts (2 of 4 stars). 4 submissions from 4 submitters: Likely benign (3). 1 of the submissions does not count toward it. Last evaluated 2025-12-10.

Conditions:
Joubert syndrome 17 (JBTS17). Identifiers: Orphanet 475, MedGen C3553264, MONDO:0013824, OMIM 614615.
Orofaciodigital syndrome type 6 (OFD6). Also called: Oral-facial-digital syndrome type 6; Central polydactyly cleft lip/palate or lingual lump and psychomotor retardation; Y-shaped central metacarpal and cerebellar defect; Joubert syndrome with orofacialdigital anomalies; OROFACIODIGITAL SYNDROME VI; OFDS VI. Identifiers: Orphanet 2754, MedGen C2745997, MONDO:0010176, OMIM 277170.
CPLANE1-related disorder. Also called: CPLANE1-related condition.

Allele frequency attached by ClinVar (database versions not stated): gnomAD exomes 0.00001 and 0.00002; gnomAD 0.00005 and 0.00006; TOPMed 0.00007.
gnomAD v4.1: 26 of 1,509,294 alleles (0.0017%); highest among the groups gnomAD compares: African/African-American, 0.0042%; no homozygotes.

Submissions (4):

Labcorp Genetics (formerly Invitae), Labcorp
Classification: Likely benign. Last evaluated: 2025-12-10. Review status: criteria provided, single submitter. Criteria: Invitae Variant Classification Sherloc (09022015). Collection method: clinical testing. Allele origin: germline.

Blueprint Genetics
Classification: Likely benign. Last evaluated: 2023-11-07. Review status: criteria provided, single submitter. Criteria: ACMG Guidelines, 2015. Collection method: clinical testing. Allele origin: germline.

Fulgent Genetics
Classification: Likely benign for Orofaciodigital syndrome type 6; Joubert syndrome 17. Last evaluated: 2021-12-26. Review status: criteria provided, single submitter. Criteria: ACMG Guidelines, 2015. Collection method: clinical testing. Allele origin: unknown.

PreventionGenetics, part of Exact Sciences
Classification: Likely benign for CPLANE1-related condition. Last evaluated: 2024-09-14. Review status: no assertion criteria provided. Collection method: clinical testing. Allele origin: germline. Not counted in ClinVar's aggregate classification.
Comment: This variant is classified as likely benign based on ACMG/AMP sequence variant interpretation guidelines (Richards et al. 2015 PMID: 25741868, with internal and published modifications).